The following is an entry in ClinVar:

NM_003640.5(ELP1):c.2788A>G (p.Asn930Asp)

Gene: ELP1 (elongator acetyltransferase complex subunit 1; minus strand). Cytogenetic location: 9q31.3.
Variant type: single nucleotide variant.
Coding change: c.2788A>G on transcript NM_003640.5 (MANE Select); coding-DNA position 2788, A replaced by G.
Protein change: p.Asn930Asp; replaces asparagine 930 with aspartic acid.
Molecular consequence: missense variant.
Genome position (GRCh38, 1-based): chr9:108,894,015, T>C on the plus strand (A>G on the coding strand, the complement: ELP1 is on the minus strand). VCF-style: chr9-108894015-T-C. GRCh37 (hg19) VCF-style: chr9-111656295-T-C.
Other names: c.2446A>G, p.Asn816Asp (NM_001318360.2); c.1741A>G, p.Asn581Asp (NM_001330749.2); short protein forms N930D, N581D, N816D.
Identifiers: ClinVar variation 4056014 (VCV004056014.1).

ClinVar aggregate classification (germline): Uncertain significance (1 of 4 stars; one submission).

Submission:

GeneDx
Classification: Uncertain significance. Last evaluated: 2025-01-06. Review status: criteria provided, single submitter. Criteria: GeneDx Variant Classification Process June 2021. Collection method: clinical testing. Allele origin: germline. Affected: yes.
Comment: Not observed at significant frequency in large population cohorts (gnomAD); In silico analysis supports that this missense variant has a deleterious effect on protein structure/function; Has not been previously published as pathogenic or benign to our knowledge